The following is an entry in ClinVar:

ClinVar aggregate classification (germline): Conflicting classifications of pathogenicity. Review status: criteria provided, conflicting classifications (1 of 4 stars). 2 submissions from 2 submitters: Uncertain significance (1); Likely benign (1). Last evaluated 2024-04-24.

Conditions:
Hereditary cancer-predisposing syndrome. Also called: Tumor predisposition; Hereditary Cancer Syndrome; Hereditary neoplastic syndrome; Neoplastic Syndromes, Hereditary. Identifiers: Orphanet 140162, MedGen C0027672, MeSH D009386, MONDO:0015356.
Hereditary breast ovarian cancer syndrome. Also called: Hereditary breast and ovarian cancer; Hereditary breast and ovarian cancer syndrome; Breast and ovarian cancer; BRCA1- and BRCA2-Associated Hereditary Breast and Ovarian Cancer; Hereditary breast and/or ovarian cancer syndrome; Hereditary breast and ovarian cancer syndrome (HBOC). Identifiers: Orphanet 145, MedGen C0677776, MeSH D061325, MONDO:0003582. Disease mechanism: loss of function.

gnomAD v4.1: 1 of 1,613,010 alleles (0.000062%); highest among the groups gnomAD compares: Non-Finnish European, 0.000085%; no homozygotes.

Submissions (2):

Labcorp Genetics (formerly Invitae), Labcorp
Classification: Uncertain significance for Hereditary breast ovarian cancer syndrome. Last evaluated: 2024-04-24. Review status: criteria provided, single submitter. Criteria: Invitae Variant Classification Sherloc (09022015). Collection method: clinical testing. Allele origin: germline.
Comment: This sequence change replaces threonine, which is neutral and polar, with isoleucine, which is neutral and non-polar, at codon 278 of the BRCA1 protein (p.Thr278Ile). This variant is not present in population databases (gnomAD no frequency). This variant has not been reported in the literature in individuals affected with BRCA1-related conditions. ClinVar contains an entry for this variant (Variation ID: 1442869). Advanced modeling of protein sequence and biophysical properties (such as structural, functional, and spatial information, amino acid conservation, physicochemical variation, residue mobility, and thermodynamic stability) performed at Invitae indicates that this missense variant is not expected to disrupt BRCA1 protein function with a negative predictive value of 95%. In summary, the available evidence is currently insufficient to determine the role of this variant in disease. Therefore, it has been classified as a Variant of Uncertain Significance.

University of Washington Department of Laboratory Medicine, University of Washington
Classification: Likely benign for Hereditary cancer-predisposing syndrome. Last evaluated: 2023-03-23. Review status: criteria provided, single submitter. Criteria: Dines et al. (Genet Med. 2020). Collection method: curation. Allele origin: germline.
Comment: Missense variant in a coldspot region where missense variants are very unlikely to be pathogenic (PMID:31911673).

BRCA1 coldspot (exon 11 using historical exon numbering). Reclassification based on statistical prior probability

NM_007294.4(BRCA1):c.833C>T (p.Thr278Ile)

Gene: BRCA1 (BRCA1 DNA repair associated; minus strand). Cytogenetic location: 17q21.31.
Variant type: single nucleotide variant.
Coding change: c.833C>T on transcript NM_007294.4 (MANE Select); coding-DNA position 833, C replaced by T.
Protein change: p.Thr278Ile; replaces threonine 278 with isoleucine.
Molecular consequence: missense variant. On other transcripts: 5 prime UTR variant (2), intron variant (137).
Genome position (GRCh38, 1-based): chr17:43,094,698, G>A on the plus strand (C>T on the coding strand, the complement: BRCA1 is on the minus strand). VCF-style: chr17-43094698-G-A. GRCh37 (hg19) VCF-style: chr17-41246715-G-A.
Other names: c.692C>T, p.Thr231Ile (NM_001407735.1, NM_001407736.1, NM_001407737.1 and 29 more transcripts); c.689C>T, p.Thr230Ile (NM_001407740.1, NM_001407741.1, NM_001407742.1 and 20 more transcripts); c.620C>T, p.Thr207Ile (NM_001407853.1, NM_001407571.1, NM_001407894.1 and 9 more transcripts); c.833C>T, p.Thr278Ile (NM_001407854.1, NM_001407858.1, NM_001407859.1 and 30 more transcripts); c.830C>T, p.Thr277Ile (NM_001407587.1, NM_001407590.1, NM_001407591.1 and 22 more transcripts); c.824C>T, p.Thr275Ile (NM_001407646.1, NM_001407647.1); c.710C>T, p.Thr237Ile (NM_001407648.1, NM_001407664.1, NM_001407665.1 and 19 more transcripts); c.707C>T, p.Thr236Ile (NM_001407649.1, NM_001407670.1, NM_001407671.1 and 11 more transcripts); and 40 more; short protein forms T231I, T278I, T166I, T190I, T230I, T150I, T208I, T236I.
Identifiers: ClinVar variation 1442869 (VCV001442869.9), dbSNP rs2154490731, ClinGen allele CA10600416.